The following is an entry in ClinVar:

ClinVar aggregate classification (germline): Likely benign (1 of 4 stars; one submission).

Submission:

CeGaT Center for Human Genetics Tuebingen
Classification: Likely benign. Last evaluated: 2026-10-01. Review status: criteria provided, single submitter. Criteria: CeGaT Center For Human Genetics Tuebingen Variant Classification Criteria Version 2. Collection method: clinical testing. Allele origin: germline. Affected: yes. Observed: 3 variant alleles.
Comment: CELF2: BP4, BS2

NM_001326317.2(CELF2):c.-56+116329C>T

Gene: CELF2 (CUGBP Elav-like family member 2; plus strand). Cytogenetic location: 10p14.
Variant type: single nucleotide variant.
Coding change: c.-56+116329C>T on transcript NM_001326317.2; 116329 bases into the intron after 56 bases upstream of the start codon, C replaced by T.
Molecular consequence: intron variant.
Genome position (GRCh38, 1-based): chr10:10,798,823, C>T. VCF-style: chr10-10798823-C-T. GRCh37 (hg19) VCF-style: chr10-10840786-C-T.
Other names: c.-149-47240C>T (NM_001326323.2, NM_001326320.2); c.-94+116329C>T (NM_001326319.2); c.-56+116329C>T (NM_001326321.2, NM_001326318.2); c.16+1920C>T (NM_001326325.2); c.-56+1920C>T (NM_001326324.2); c.-150+6C>T (NM_001326328.2); c.53+6C>T (NM_001326327.2, NM_001326326.2).
Identifiers: ClinVar variation 4821710 (VCV004821710.4).